The following is an entry in ClinVar:

ClinVar aggregate classification (germline): Uncertain significance (1 of 4 stars; one submission).

Allele frequency attached by ClinVar (database versions not stated): gnomAD exomes below 0.00001.
gnomAD v4.1: 2 of 1,611,506 alleles (0.00012%); highest among the groups gnomAD compares: Middle Eastern, 0.017%; no homozygotes.

Submission:

Labcorp Genetics (formerly Invitae), Labcorp
Classification: Uncertain significance. Last evaluated: 2022-12-09. Review status: criteria provided, single submitter. Criteria: Invitae Variant Classification Sherloc (09022015). Collection method: clinical testing. Allele origin: germline.
Comment: This sequence change replaces serine, which is neutral and polar, with proline, which is neutral and non-polar, at codon 1350 of the COL11A1 protein (p.Ser1350Pro). This variant is not present in population databases (gnomAD no frequency). This variant has not been reported in the literature in individuals affected with COL11A1-related conditions. Advanced modeling of protein sequence and biophysical properties (such as structural, functional, and spatial information, amino acid conservation, physicochemical variation, residue mobility, and thermodynamic stability) performed at Invitae indicates that this missense variant is not expected to disrupt COL11A1 protein function. In summary, the available evidence is currently insufficient to determine the role of this variant in disease. Therefore, it has been classified as a Variant of Uncertain Significance.

NM_001854.4(COL11A1):c.4048T>C (p.Ser1350Pro)

Gene: COL11A1 (collagen type XI alpha 1 chain; minus strand). Cytogenetic location: 1p21.1.
Variant type: single nucleotide variant.
Coding change: c.4048T>C on transcript NM_001854.4 (MANE Select); coding-DNA position 4048, T replaced by C.
Protein change: p.Ser1350Pro; replaces serine 1350 with proline.
Molecular consequence: missense variant. On other transcripts: non-coding transcript variant (1).
Genome position (GRCh38, 1-based): chr1:102,912,197, A>G on the plus strand (T>C on the coding strand, the complement: COL11A1 is on the minus strand). VCF-style: chr1-102912197-A-G. GRCh37 (hg19) VCF-style: chr1-103377753-A-G.
Other names: c.3700T>C, p.Ser1234Pro (NM_001168249.1, NM_080630.4); c.3931T>C, p.Ser1311Pro (NM_001190709.2); c.4084T>C, p.Ser1362Pro (NM_080629.3); short protein forms S1234P, S1362P, S1311P, S1350P.
Identifiers: ClinVar variation 2819709 (VCV002819709.3), dbSNP rs2524455675, ClinGen allele CA341160222.